The following is an entry in ClinVar:

NM_006031.6(PCNT):c.6556C>T (p.Gln2186Ter)

Gene: PCNT (pericentrin; plus strand). Cytogenetic location: 21q22.3.
Variant type: single nucleotide variant.
Coding change: c.6556C>T on transcript NM_006031.6 (MANE Select); coding-DNA position 6556, C replaced by T.
Protein change: p.Gln2186Ter; replaces glutamine 2186 with a stop codon.
Molecular consequence: nonsense.
Genome position (GRCh38, 1-based): chr21:46,416,474, C>T. VCF-style: chr21-46416474-C-T. GRCh37 (hg19) VCF-style: chr21-47836388-C-T.
Other names: c.6202C>T, p.Gln2068Ter (NM_001315529.2); short protein forms Q2068*, Q2186*.
Identifiers: ClinVar variation 2821686 (VCV002821686.3), dbSNP rs2147773762, ClinGen allele CA410563670.

ClinVar aggregate classification (germline): Pathogenic (1 of 4 stars; one submission).

Submission:

Labcorp Genetics (formerly Invitae), Labcorp
Classification: Pathogenic. Last evaluated: 2023-03-18. Review status: criteria provided, single submitter. Criteria: Invitae Variant Classification Sherloc (09022015). Collection method: clinical testing. Allele origin: germline.
Comment: For these reasons, this variant has been classified as Pathogenic. This sequence change creates a premature translational stop signal (p.Gln2186*) in the PCNT gene. It is expected to result in an absent or disrupted protein product. Loss-of-function variants in PCNT are known to be pathogenic (PMID: 18174396, 22821869). This variant is not present in population databases (gnomAD no frequency). This variant has not been reported in the literature in individuals affected with PCNT-related conditions.

Literature cited by the submitters: PubMed 18174396; PubMed 22821869.